The following is an entry in ClinVar:

ClinVar aggregate classification (germline): Uncertain significance (1 of 4 stars; one submission).

Conditions:
Familial cold autoinflammatory syndrome 2 (FCAS2). Identifiers: Orphanet 247868, MedGen C2673198, MONDO:0012724, OMIM 611762.

Allele frequency attached by ClinVar (database versions not stated): gnomAD 0.00001; gnomAD exomes 0.00001; ExAC 0.00002; TOPMed 0.00002.

Submission:

ARUP Laboratories, Molecular Genetics and Genomics, ARUP Laboratories
Classification: Uncertain significance for Familial cold autoinflammatory syndrome 2. Last evaluated: 2020-03-13. Review status: criteria provided, single submitter. Criteria: ARUP Molecular Germline Variant Investigation Process. Collection method: clinical testing. Allele origin: germline.
Comment: The NLRP12 c.964C>G; p.Leu322Val variant (rs745451806), to our knowledge, is not reported in the medical literature or gene specific databases. This variant is only observed on two alleles in the Genome Aggregation Database, indicating it is not a common polymorphism. The leucine at codon 322 is moderately conserved, and computational analyses (SIFT, PolyPhen-2) predict that this variant is tolerated. Due to limited information, the clinical significance of the p.Leu322Val variant is uncertain at this time.

NM_144687.4(NLRP12):c.964C>G (p.Leu322Val)

Gene: NLRP12 (NLR family pyrin domain containing 12; minus strand). Cytogenetic location: 19q13.42.
Variant type: single nucleotide variant.
Coding change: c.964C>G on transcript NM_144687.4 (MANE Select); coding-DNA position 964, C replaced by G.
Protein change: p.Leu322Val; replaces leucine 322 with valine.
Molecular consequence: missense variant.
Genome position (GRCh38, 1-based): chr19:53,810,695, G>C on the plus strand (C>G on the coding strand, the complement: NLRP12 is on the minus strand). VCF-style: chr19-53810695-G-C. GRCh37 (hg19) VCF-style: chr19-54313949-G-C.
Other names: c.964C>G, p.Leu322Val (NM_001277126.2, NM_001277129.1); short protein forms L322V.
Identifiers: ClinVar variation 993665 (VCV000993665.8), dbSNP rs745451806, ClinGen allele CA9639554.
Genomic context (GRCh38, chr19:53,810,695, plus strand): 5'-TGGTGATGAGCAAAGATAGCTCAGGGAGCAGCTTCTTCCGAATTAAGCTGTTAAGAAGCA[G>C]CTCCGTGGGCCGTTTCTCCTCCCAGCAGAGGCACCAGGGTCCCTGAGGATCGTGGAAAGA-3'
Protein context (NP_653288.1, residues 312-332): LCWEEKRPTE[Leu322Val]LLNSLIRKKL